The following is an entry in ClinVar:

NM_000088.4(COL1A1):c.2334del (p.Gly779fs)

Gene: COL1A1 (collagen type I alpha 1 chain; minus strand). Cytogenetic location: 17q21.33.
Variant type: Deletion.
Coding change: c.2334del on transcript NM_000088.4 (MANE Select); coding-DNA position 2334, one base deleted (T; older notation c.2334delT).
Protein change: p.Gly779fs; shifts the reading frame from glycine 779.
Molecular consequence: frameshift variant.
Genome position (GRCh38, 1-based): chr17:50,190,826, A deleted on the plus strand (T on the coding strand, the reverse complement: COL1A1 is on the minus strand). VCF-style (leftmost placement, unchanged base first): chr17-50190825-CA-C. GRCh37 (hg19) VCF-style: chr17-48268186-CA-C.
Other names: short protein forms G779fs.
Identifiers: ClinVar variation 2159544 (VCV002159544.4), dbSNP rs2509193608, ClinGen allele CA2580094261.

ClinVar aggregate classification (germline): Pathogenic (1 of 4 stars; one submission).

Conditions:
Osteogenesis imperfecta type I (OI1). Also called: OI, TYPE I; OSTEOGENESIS IMPERFECTA TARDA; OSTEOGENESIS IMPERFECTA WITH BLUE SCLERAE; Lobstein's Disease; Osteogenesis imperfecta type 1; Classic Non-deforming Osteogenesis Imperfecta with Blue Sclerae. Identifiers: Orphanet 216796, Orphanet 666, MedGen C0023931, MONDO:0008146, OMIM 166200. Disease mechanism: loss of function.

Submission:

Labcorp Genetics (formerly Invitae), Labcorp
Classification: Pathogenic for Osteogenesis imperfecta type I. Last evaluated: 2022-12-07. Review status: criteria provided, single submitter. Criteria: Invitae Variant Classification Sherloc (09022015). Collection method: clinical testing. Allele origin: germline.
Comment: For these reasons, this variant has been classified as Pathogenic. This sequence change creates a premature translational stop signal (p.Gly779Valfs*329) in the COL1A1 gene. It is expected to result in an absent or disrupted protein product. Loss-of-function variants in COL1A1 are known to be pathogenic (PMID: 7942841, 9295084, 9443882). This variant is not present in population databases (gnomAD no frequency). This premature translational stop signal has been observed in individual(s) with osteogenesis imperfecta (PMID: 30614853).

Literature cited by the submitters: PubMed 7942841; PubMed 9295084; PubMed 9443882; PubMed 30614853.